The following is an entry in ClinVar:

NM_018972.4(GDAP1):c.245A>G (p.His82Arg)

Gene: GDAP1 (ganglioside induced differentiation associated protein 1; plus strand). Cytogenetic location: 8q21.11.
Variant type: single nucleotide variant.
Coding change: c.245A>G on transcript NM_018972.4 (MANE Select); coding-DNA position 245, A replaced by G.
Protein change: p.His82Arg; replaces histidine 82 with arginine.
Molecular consequence: missense variant. On other transcripts: intron variant (2).
Genome position (GRCh38, 1-based): chr8:74,351,401, A>G. VCF-style: chr8-74351401-A-G. GRCh37 (hg19) VCF-style: chr8-75263636-A-G.
Other names: c.41A>G, p.His14Arg (NM_001040875.4); c.245A>G, p.His82Arg (NM_001362930.2, NM_001362931.2); c.-18+80A>G (NM_001362929.2); c.-18+823A>G (NM_001362932.2); short protein forms H14R, H82R.
Identifiers: ClinVar variation 2959635 (VCV002959635.3), dbSNP rs1429538040, ClinGen allele CA371499517.

ClinVar aggregate classification (germline): Uncertain significance (1 of 4 stars; one submission).

Conditions:
Charcot-Marie-Tooth disease type 4A. Also called: Charcot-Marie-Tooth disease, demyelinating, autosomal recessive, type 4a. Identifiers: Orphanet 99948, MedGen C1859198, MONDO:0008961, OMIM 214400.

Allele frequency attached by ClinVar (database versions not stated): gnomAD exomes below 0.00001.

Submission:

Labcorp Genetics (formerly Invitae), Labcorp
Classification: Uncertain significance for Charcot-Marie-Tooth disease type 4A. Last evaluated: 2022-12-24. Review status: criteria provided, single submitter. Criteria: Invitae Variant Classification Sherloc (09022015). Collection method: clinical testing. Allele origin: germline.
Comment: Algorithms developed to predict the effect of missense changes on protein structure and function are either unavailable or do not agree on the potential impact of this missense change (SIFT: "Tolerated"; PolyPhen-2: "Probably Damaging"; Align-GVGD: "Class C0"). This variant has not been reported in the literature in individuals affected with GDAP1-related conditions. This variant is present in population databases (no rsID available, gnomAD 0.0009%). This sequence change replaces histidine, which is basic and polar, with arginine, which is basic and polar, at codon 82 of the GDAP1 protein (p.His82Arg). In summary, the available evidence is currently insufficient to determine the role of this variant in disease. Therefore, it has been classified as a Variant of Uncertain Significance.